The following is an entry in ClinVar:

ClinVar aggregate classification (germline): Uncertain significance (1 of 4 stars; one submission).

gnomAD v4.1: 1 of 1,613,892 alleles (0.000062%); highest among the groups gnomAD compares: South Asian, 0.0011%; no homozygotes.

Submission:

Labcorp Genetics (formerly Invitae), Labcorp
Classification: Uncertain significance. Last evaluated: 2024-01-10. Review status: criteria provided, single submitter. Criteria: Invitae Variant Classification Sherloc (09022015). Collection method: clinical testing. Allele origin: germline.
Comment: This sequence change replaces isoleucine, which is neutral and non-polar, with valine, which is neutral and non-polar, at codon 171 of the ACVR1 protein (p.Ile171Val). This variant is not present in population databases (gnomAD no frequency). This variant has not been reported in the literature in individuals affected with ACVR1-related conditions. An algorithm developed to predict the effect of missense changes on protein structure and function (PolyPhen-2) suggests that this variant is likely to be disruptive. In summary, the available evidence is currently insufficient to determine the role of this variant in disease. Therefore, it has been classified as a Variant of Uncertain Significance.

NM_001111067.4(ACVR1):c.511A>G (p.Ile171Val)

Gene: ACVR1 (activin A receptor type 1; minus strand). Cytogenetic location: 2q24.1.
Variant type: single nucleotide variant.
Coding change: c.511A>G on transcript NM_001111067.4 (MANE Select); coding-DNA position 511, A replaced by G.
Protein change: p.Ile171Val; replaces isoleucine 171 with valine.
Molecular consequence: missense variant.
Genome position (GRCh38, 1-based): chr2:157,778,163, T>C on the plus strand (A>G on the coding strand, the complement: ACVR1 is on the minus strand). VCF-style: chr2-157778163-T-C. GRCh37 (hg19) VCF-style: chr2-158634675-T-C.
Other names: c.511A>G, p.Ile171Val (NM_001105.5, NM_001347663.1, NM_001347664.1 and 3 more transcripts); short protein forms I171V.
Identifiers: ClinVar variation 2708583 (VCV002708583.3), dbSNP rs1686363688, ClinGen allele CA349192781.